The following is an entry in ClinVar:

NM_001297.5(CNGB1):c.2664C>A (p.Ala888=)

Gene: CNGB1 (cyclic nucleotide gated channel subunit beta 1; minus strand). Cytogenetic location: 16q21.
Variant type: single nucleotide variant.
Coding change: c.2664C>A on transcript NM_001297.5 (MANE Select); coding-DNA position 2664, C replaced by A.
Protein change: p.Ala888=; no amino-acid change (alanine 888 retained).
Molecular consequence: synonymous variant.
Genome position (GRCh38, 1-based): chr16:57,903,952, G>T on the plus strand (C>A on the coding strand, the complement: CNGB1 is on the minus strand). VCF-style: chr16-57903952-G-T. GRCh37 (hg19) VCF-style: chr16-57937856-G-T.
Other names: c.2646C>A, p.Ala882= (NM_001286130.2).
Identifiers: ClinVar variation 93700 (VCV000093700.20), dbSNP rs413562, ClinGen allele CA147224.
Genomic context (GRCh38, chr16:57,903,952, plus strand): 5'-CTTGTAGAAATTCATGTACTTCACCGTGCTGTCCATGCAGCTGCGGTAGTAGGTCTGTCC[G>T]GCGGTGGCGGCCCCTACCACATCTCTCATCTGGGGGAAGGGTTATGGGAGGTCAAGGAAG-3'
Protein context (NP_001288.3, residues 878-898): QMRDVVGAAT[Ala888=]GQTYYRSCMD

ClinVar aggregate classification (germline): Benign/Likely benign. Review status: criteria provided, multiple submitters, no conflicts (2 of 4 stars). 6 submissions from 6 submitters: Benign (4); Likely benign (1). 1 of the submissions does not count toward it. Last evaluated 2026-02-04.

Conditions:
Retinitis pigmentosa (RP). Identifiers: Orphanet 791, MedGen C0035334, MeSH D012174, MONDO:0019200, OMIM 268000. Inheritance: Autosomal dominant, autosomal recessive and X linked inheritance.
Retinal dystrophy. Also called: Inherited retinal dystrophy. Identifiers: Orphanet 71862, MedGen C0854723, MeSH D058499, MONDO:0019118, HP:0000556.

Allele frequency attached by ClinVar (database versions not stated): 1000 Genomes Project 0.15655; 1000 Genomes Project 30x 0.16099.
gnomAD v4.1: 180,751 of 1,613,682 alleles (11%); highest among the groups gnomAD compares: African/African-American, 26%; 11,404 homozygotes.

Submissions (6):

Labcorp Genetics (formerly Invitae), Labcorp
Classification: Benign. Last evaluated: 2026-02-04. Review status: criteria provided, single submitter. Criteria: Invitae Variant Classification Sherloc (09022015). Collection method: clinical testing. Allele origin: germline.

Blueprint Genetics
Classification: Likely benign. Last evaluated: 2024-11-28. Review status: criteria provided, single submitter. Criteria: ACMG Guidelines, 2015. Collection method: clinical testing. Allele origin: germline.

Illumina Laboratory Services, Illumina
Classification: Benign for Retinitis pigmentosa. Last evaluated: 2018-01-13. Review status: criteria provided, single submitter. Criteria: ICSL Variant Classification Criteria 13 December 2019. Collection method: clinical testing. Allele origin: germline.
Comment: This variant was observed in the ICSL laboratory as part of a predisposition screen in an ostensibly healthy population. It had not been previously curated by ICSL or reported in the Human Gene Mutation Database (HGMD: prior to June 1st, 2018), and was therefore a candidate for classification through an automated scoring system. Utilizing variant allele frequency, disease prevalence and penetrance estimates, and inheritance mode, an automated score was calculated to assess if this variant is too frequent to cause the disease. Based on the score and internal cut-off values, a variant classified as benign is not then subjected to further curation. The score for this variant resulted in a classification of benign for this disease.

Eurofins Ntd Llc (ga)
Classification: Benign. Last evaluated: 2013-10-23. Review status: criteria provided, single submitter. Criteria: EGL Classification Definitions 2015. Collection method: clinical testing. Allele origin: germline. Observed: 5 variant alleles, 4 heterozygotes, 1 homozygote.

Breakthrough Genomics
Classification: Benign. Review status: criteria provided, single submitter. Criteria: ACMG Guidelines, 2015. Collection method: not provided. Allele origin: germline. Inheritance: Autosomal recessive inheritance. Affected: yes.

Institute of Human Genetics, Univ. Regensburg, Univ. Regensburg
Classification: Benign for Retinal dystrophy. Last evaluated: 2013-01-01. Review status: no assertion criteria provided. Criteria: ACMG Guidelines, 2015. Collection method: clinical testing. Allele origin: germline. Affected: yes. Not counted in ClinVar's aggregate classification.